The following is an entry in ClinVar:

NM_005120.3(MED12):c.1359T>C (p.Ile453=)

Genes: MED12 (mediator complex subunit 12; plus strand), LOC126863275 (BRD4-independent group 4 enhancer GRCh37_chrX:70342400-70343599; plus strand). Cytogenetic location: Xq13.1.
Variant type: single nucleotide variant.
Coding change: c.1359T>C on transcript NM_005120.3 (MANE Select); coding-DNA position 1359, T replaced by C.
Protein change: p.Ile453=; no amino-acid change (isoleucine 453 retained).
Molecular consequence: synonymous variant.
Genome position (GRCh38, 1-based): chrX:71,122,748, T>C. VCF-style: chrX-71122748-T-C. GRCh37 (hg19) VCF-style: chrX-70342598-T-C.
Identifiers: ClinVar variation 2572292 (VCV002572292.1), dbSNP rs2519671521, ClinGen allele CA516818675.

ClinVar aggregate classification (germline): Uncertain significance (1 of 4 stars; one submission).

Submission:

Greenwood Genetic Center Diagnostic Laboratories, Greenwood Genetic Center
Classification: Uncertain significance. Last evaluated: 2023-06-23. Review status: criteria provided, single submitter. Criteria: ACMG Guidelines, 2015. Collection method: clinical testing. Allele origin: germline. Affected: yes.
Comment: PM2, BP4